The following is an entry in ClinVar:

NM_033380.3(COL4A5):c.4455_4465del (p.Thr1486fs)

Gene: COL4A5 (collagen type IV alpha 5 chain; plus strand). Cytogenetic location: Xq22.3.
Variant type: Deletion.
Coding change: c.4455_4465del on transcript NM_033380.3 (MANE Select); coding-DNA positions 4455 to 4465, 11 bases deleted (AACACTTCAGG).
Protein change: p.Thr1486fs; shifts the reading frame from threonine 1486.
Molecular consequence: frameshift variant.
Genome position (GRCh38, 1-based): chrX:108,687,621-108,687,631, AACACTTCAGG deleted; deleting any 11 consecutive bases within chrX:108,687,619-108,687,631 gives the same sequence; the c. name uses the placement nearest the transcript's 3' end. VCF-style (leftmost placement, unchanged base first): chrX-108687618-GGGAACACTTCA-G. GRCh37 (hg19) VCF-style: chrX-107930848-GGGAACACTTCA-G.
Other names: c.4437_4447del, p.Thr1480fs (NM_000495.5); c.4435_4445del (NM_000495.5); short protein forms T1480fs, T1486fs.
Identifiers: ClinVar variation 3027420 (VCV003027420.1), dbSNP rs2524632703, ClinGen allele CA2740092259.
Genomic context (GRCh38, chrX:108,687,618, plus strand): 5'-TGCACATGGATTTCTTATTACACGCCACAGCCAGACAACGGATGCACCACAATGCCCACA[GGGAACACTTCA>G]GGTCTATGAAGGCTTTTCTCTCCTGTATGTACAAGGAAATAAAAGAGCCCACGGTCAAGA-3'

ClinVar aggregate classification (germline): Pathogenic (0 of 4 stars; one submission).

Conditions:
Alport syndrome. Also called: Hemorrhagic familial nephritis; Hemorrhagic hereditary nephritis; Congenital hereditary hematuria. Identifiers: Orphanet 63, MedGen C1567741, MONDO:0018965.

Submission:

Department of Traditional Chinese Medicine, Fujian Provincial Hospital
Classification: Pathogenic for Alport syndrome. Review status: no assertion criteria provided. Collection method: research. Allele origin: unknown.
Comment: According to The American College of Medical Genetics and Genomics (ACMG) guidelines, the mutation was consistent with PVS1_Strong (Null variant in a gene where loss of function (LOF) is a known mechanism of disease.) + PS2 (De novo in a patient with the disease and no family history.) + PM2_Supporting (Absent from controls in Exome Sequencing Project, 1000 Genomes or ExAC.), so we considered the mutation to be pathogenic.

Literature cited by the submitters: DOI 10.2215/CJN.01030209.